The following is an entry in ClinVar:

NM_001127391.3(FLACC1):c.943-25C>T

Gene: FLACC1 (flagellum associated containing coiled-coil domains 1; minus strand). Cytogenetic location: 2q33.1.
Variant type: single nucleotide variant.
Coding change: c.943-25C>T on transcript NM_001127391.3 (MANE Select); 25 bases into the intron before coding-DNA position 943, C replaced by T.
Molecular consequence: intron variant. On other transcripts: synonymous variant (1), non-coding transcript variant (1).
Genome position (GRCh38, 1-based): chr2:201,289,810, G>A on the plus strand (C>T on the coding strand, the complement: FLACC1 is on the minus strand). VCF-style: chr2-201289810-G-A. GRCh37 (hg19) VCF-style: chr2-202154533-G-A.
Other names: c.987C>T, p.Val329= (NM_139163.4); c.943-25C>T (NM_001289993.2).
Identifiers: ClinVar variation 4083982 (VCV004083982.8).

ClinVar aggregate classification (germline): Likely benign (1 of 4 stars; one submission).

gnomAD v4.1: 535 of 1,614,172 alleles (0.033%); highest among the groups gnomAD compares: African/African-American, 0.53%; 2 homozygotes.

Submission:

CeGaT Center for Human Genetics Tuebingen
Classification: Likely benign. Last evaluated: 2025-07-01. Review status: criteria provided, single submitter. Criteria: CeGaT Center For Human Genetics Tuebingen Variant Classification Criteria Version 2. Collection method: clinical testing. Allele origin: germline. Affected: yes. Observed: 1 variant allele.
Comment: FLACC1: BP4, BP7